The following is an entry in ClinVar:

NM_001122955.4(BSCL2):c.1099C>T (p.Pro367Ser)

Genes: BSCL2 (BSCL2 lipid droplet biogenesis associated, seipin; minus strand), HNRNPUL2-BSCL2 (HNRNPUL2-BSCL2 readthrough (NMD candidate); minus strand). Cytogenetic location: 11q12.3.
Variant type: single nucleotide variant.
Coding change: c.1099C>T on transcript NM_001122955.4 (MANE Select); coding-DNA position 1099, C replaced by T.
Protein change: p.Pro367Ser; replaces proline 367 with serine.
Molecular consequence: missense variant. On other transcripts: synonymous variant (1), non-coding transcript variant (1).
Genome position (GRCh38, 1-based): chr11:62,690,841, G>A on the plus strand (C>T on the coding strand, the complement: BSCL2 is on the minus strand). VCF-style: chr11-62690841-G-A. GRCh37 (hg19) VCF-style: chr11-62458313-G-A.
Other names: c.765C>T, p.Leu255= (NM_001130702.2); c.1105C>T, p.Pro369Ser (NM_001386027.1); c.1099C>T, p.Pro367Ser (NM_001386028.1); c.907C>T, p.Pro303Ser (NM_032667.6); short protein forms P303S, P367S, P369S.
Identifiers: ClinVar variation 4699655 (VCV004699655.1).

ClinVar aggregate classification (germline): Uncertain significance (1 of 4 stars; one submission).

Conditions:
Charcot-Marie-Tooth disease type 2. Also called: Charcot-Marie-Tooth type 2. Identifiers: Orphanet 64746, MedGen C0270914, MONDO:0018993.

Submission:

Labcorp Genetics (formerly Invitae), Labcorp
Classification: Uncertain significance for Charcot-Marie-Tooth disease type 2. Last evaluated: 2025-05-11. Review status: criteria provided, single submitter. Criteria: Invitae Variant Classification Sherloc (09022015). Collection method: clinical testing. Allele origin: germline.
Comment: This sequence change replaces proline, which is neutral and non-polar, with serine, which is neutral and polar, at codon 303 of the BSCL2 protein (p.Pro303Ser). This variant is not present in population databases (gnomAD no frequency). This variant has not been reported in the literature in individuals affected with BSCL2-related conditions. Invitae Evidence Modeling of protein sequence and biophysical properties (such as structural, functional, and spatial information, amino acid conservation, physicochemical variation, residue mobility, and thermodynamic stability) indicates that this missense variant is not expected to disrupt BSCL2 protein function with a negative predictive value of 80%. In summary, the available evidence is currently insufficient to determine the role of this variant in disease. Therefore, it has been classified as a Variant of Uncertain Significance.